The following is an entry in ClinVar:

ClinVar aggregate classification (germline): Likely benign. Review status: criteria provided, multiple submitters, no conflicts (2 of 4 stars). 2 submissions from 2 submitters: Likely benign (2). Last evaluated 2024-07-16.

Submissions (2):

Labcorp Genetics (formerly Invitae), Labcorp
Classification: Likely benign. Last evaluated: 2024-07-16. Review status: criteria provided, single submitter. Criteria: Invitae Variant Classification Sherloc (09022015). Collection method: clinical testing. Allele origin: germline.

GeneDx
Classification: Likely benign. Last evaluated: 2018-02-01. Review status: criteria provided, single submitter. Criteria: GeneDx Variant Classification (06012015). Collection method: clinical testing. Allele origin: germline. Affected: yes.
Comment: This variant is considered likely benign or benign based on one or more of the following criteria: it is a conservative change, it occurs at a poorly conserved position in the protein, it is predicted to be benign by multiple in silico algorithms, and/or has population frequency not consistent with disease.

NM_006231.4(POLE):c.3796-11A>G

Gene: POLE (DNA polymerase epsilon, catalytic subunit; minus strand). Cytogenetic location: 12q24.33.
Variant type: single nucleotide variant.
Coding change: c.3796-11A>G on transcript NM_006231.4 (MANE Select); 11 bases into the intron before coding-DNA position 3796, A replaced by G.
Molecular consequence: intron variant.
Genome position (GRCh38, 1-based): chr12:132,649,526, T>C on the plus strand (A>G on the coding strand, the complement: POLE is on the minus strand). VCF-style: chr12-132649526-T-C. GRCh37 (hg19) VCF-style: chr12-133226112-T-C.
Identifiers: ClinVar variation 515248 (VCV000515248.8), dbSNP rs1555223983, ClinGen allele CA658797975.
Genomic context (GRCh38, chr12:132,649,526, plus strand): 5'-TGCAGCTGCCACTTCTTCTTGTGGAACCGGAGCCAGACAAGCCATTCCTCCTGGGATGGA[T>C]GGTGAGCACAGCCAGTGTGCAAGTGGTGAGATGGGAATGCCCGCCATGACTTTCTCACAA-3'